The following is an entry in ClinVar:

ClinVar aggregate classification (germline): Uncertain significance. Review status: criteria provided, multiple submitters, no conflicts (2 of 4 stars). 6 submissions from 6 submitters: Uncertain significance (6). Last evaluated 2024-11-03.

Conditions:
Hereditary nonpolyposis colorectal neoplasms. Identifiers: MedGen C0009405, MeSH D003123.
Hereditary cancer-predisposing syndrome. Also called: Hereditary neoplastic syndrome; Hereditary Cancer Syndrome; Neoplastic Syndromes, Hereditary; Tumor predisposition. Identifiers: Orphanet 140162, MedGen C0027672, MeSH D009386, MONDO:0015356.
Lynch syndrome 5 (LYNCH5). Also called: Hereditary non-polyposis colorectal cancer, type 5; Colorectal cancer, hereditary nonpolyposis, type 5. Identifiers: Orphanet 144, MedGen C1833477, MONDO:0013710, OMIM 614350. Disease mechanism: loss of function.
Endometrial carcinoma. Also called: Endometrial carcinoma, somatic. Identifiers: MedGen C0476089, MONDO:0002447, OMIM 608089, HP:0012114.

gnomAD v4.1: 1 of 1,613,966 alleles (0.000062%); highest among the groups gnomAD compares: East Asian, 0.0022%; no homozygotes.

Submissions (6):

Ambry Genetics
Classification: Uncertain significance for Hereditary cancer-predisposing syndrome. Last evaluated: 2024-11-03. Review status: criteria provided, single submitter. Criteria: Ambry Variant Classification Scheme 2023. Collection method: clinical testing. Allele origin: germline.
Comment: The p.K1291N variant (also known as c.3873G>C), located in coding exon 9 of the MSH6 gene, results from a G to C substitution at nucleotide position 3873. The lysine at codon 1291 is replaced by asparagine, an amino acid with similar properties. This amino acid position is conserved. In addition, this alteration is predicted to be tolerated by in silico analysis. Based on the available evidence, the clinical significance of this variant remains unclear.

Labcorp Genetics (formerly Invitae), Labcorp
Classification: Uncertain significance for Hereditary nonpolyposis colorectal neoplasms. Last evaluated: 2024-09-09. Review status: criteria provided, single submitter. Criteria: Invitae Variant Classification Sherloc (09022015). Collection method: clinical testing. Allele origin: germline.
Comment: This sequence change replaces lysine, which is basic and polar, with asparagine, which is neutral and polar, at codon 1291 of the MSH6 protein (p.Lys1291Asn). This variant is not present in population databases (gnomAD no frequency). This variant has not been reported in the literature in individuals affected with MSH6-related conditions. ClinVar contains an entry for this variant (Variation ID: 897352). Invitae Evidence Modeling of protein sequence and biophysical properties (such as structural, functional, and spatial information, amino acid conservation, physicochemical variation, residue mobility, and thermodynamic stability) indicates that this missense variant is not expected to disrupt MSH6 protein function with a negative predictive value of 95%. In summary, the available evidence is currently insufficient to determine the role of this variant in disease. Therefore, it has been classified as a Variant of Uncertain Significance.

Women's Health and Genetics/Laboratory Corporation of America, LabCorp
Classification: Uncertain significance. Last evaluated: 2024-01-23. Review status: criteria provided, single submitter. Criteria: LabCorp Variant Classification Summary - May 2015. Collection method: clinical testing. Allele origin: germline.
Comment: Variant summary: MSH6 c.3873G>C (p.Lys1291Asn) results in a non-conservative amino acid change located in the DNA mismatch repair protein MutS, C-terminal domain (IPR000432) of the encoded protein sequence. Three of five in-silico tools predict a benign effect of the variant on protein function. The variant was absent in 250702 control chromosomes (gnomAD). The available data on variant occurrences in the general population are insufficient to allow any conclusion about variant significance. To our knowledge, no occurrence of c.3873G>C in individuals affected with Lynch Syndrome or other MSH6-related disorders and no experimental evidence demonstrating its impact on protein function have been reported. ClinVar contains an entry for this variant (Variation ID: 897352). Based on the evidence outlined above, the variant was classified as uncertain significance.

Baylor Genetics
Classification: Uncertain significance for Endometrial carcinoma. Last evaluated: 2023-12-22. Review status: criteria provided, single submitter. Criteria: ACMG Guidelines, 2015. Collection method: clinical testing. Allele origin: unknown.

GeneDx
Classification: Uncertain significance. Last evaluated: 2019-06-24. Review status: criteria provided, single submitter. Criteria: GeneDx Variant Classification Process June 2021. Collection method: clinical testing. Allele origin: germline. Affected: yes.
Comment: Not observed in large population cohorts (Lek et al., 2016); Has not been previously published as pathogenic or benign to our knowledge

Illumina Laboratory Services, Illumina
Classification: Uncertain significance for Lynch syndrome 5. Last evaluated: 2018-01-12. Review status: criteria provided, single submitter. Criteria: ICSL Variant Classification Criteria 13 December 2019. Collection method: clinical testing. Allele origin: germline.

NM_000179.3(MSH6):c.3873G>C (p.Lys1291Asn)

Gene: MSH6 (mutS homolog 6; plus strand). Cytogenetic location: 2p16.3.
Variant type: single nucleotide variant.
Coding change: c.3873G>C on transcript NM_000179.3 (MANE Select); coding-DNA position 3873, G replaced by C.
Protein change: p.Lys1291Asn; replaces lysine 1291 with asparagine.
Molecular consequence: missense variant.
Genome position (GRCh38, 1-based): chr2:47,806,523, G>C. VCF-style: chr2-47806523-G-C. GRCh37 (hg19) VCF-style: chr2-48033662-G-C.
Other names: c.3483G>C, p.Lys1161Asn (NM_001281492.2); c.2967G>C, p.Lys989Asn (NM_001281493.2, NM_001281494.2); short protein forms K1161N, K1291N, K989N.
Identifiers: ClinVar variation 897352 (VCV000897352.17), dbSNP rs1670110153, ClinGen allele CA346761361.